The following is an entry in ClinVar:

ClinVar aggregate classification (germline): Pathogenic (1 of 4 stars; one submission).

Submission:

Labcorp Genetics (formerly Invitae), Labcorp
Classification: Pathogenic. Last evaluated: 2021-02-19. Review status: criteria provided, single submitter. Criteria: Invitae Variant Classification Sherloc (09022015). Collection method: clinical testing. Allele origin: germline.
Comment: This sequence change creates a premature translational stop signal (p.Gln59Argfs*98) in the RUNX2 gene. It is expected to result in an absent or disrupted protein product. Loss-of-function variants in RUNX2 are known to be pathogenic (PMID: 10521292, 11857736). This variant is not present in population databases (ExAC no frequency). This variant has not been reported in the literature in individuals with RUNX2-related conditions. For these reasons, this variant has been classified as Pathogenic.

Literature cited by the submitters: PubMed 10521292; PubMed 11857736.

NM_001024630.4(RUNX2):c.138_175dup (p.Gln59fs)

Gene: RUNX2 (RUNX family transcription factor 2; plus strand). Cytogenetic location: 6p21.1.
Variant type: Duplication.
Coding change: c.138_175dup on transcript NM_001024630.4 (MANE Select); coding-DNA positions 138 to 175, 38 bases duplicated.
Protein change: p.Gln59fs; shifts the reading frame from glutamine 59.
Molecular consequence: frameshift variant.
Genome position (GRCh38, 1-based): chr6:45,422,672-45,422,709, 38 bases duplicated. GRCh37 (hg19): chr6:45,390,409-45,390,446.
Other names: c.138_175dup, p.Gln59fs (NM_001015051.4); c.96_133dup, p.Gln45fs (NM_001278478.2, NM_001369405.1); short protein forms Q59fs, Q45fs.
Identifiers: ClinVar variation 1373526 (VCV001373526.6), dbSNP rs2150362152, ClinGen allele CA2573140913.